The following is an entry in ClinVar:

NM_212482.4(FN1):c.7258C>T (p.Arg2420Cys)

Genes: ATIC (5-aminoimidazole-4-carboxamide ribonucleotide formyltransferase/IMP cyclohydrolase; plus strand), FN1 (fibronectin 1; minus strand). Cytogenetic location: 2q35.
Variant type: single nucleotide variant.
Coding change: c.7258C>T on transcript NM_212482.4 (MANE Select); coding-DNA position 7258, C replaced by T.
Protein change: p.Arg2420Cys; replaces arginine 2420 with cysteine.
Molecular consequence: missense variant.
Genome position (GRCh38, 1-based): chr2:215,362,073, G>A on the plus strand (C>T on the coding strand, the complement: FN1 is on the minus strand). VCF-style: chr2-215362073-G-A. GRCh37 (hg19) VCF-style: chr2-216226796-G-A.
Other names: c.7165C>T, p.Arg2389Cys (NM_001306129.2); c.6628C>T, p.Arg2210Cys (NM_001306130.2); c.6622C>T, p.Arg2208Cys (NM_001306131.2); c.6547C>T, p.Arg2183Cys (NM_001306132.2); c.6988C>T, p.Arg2330Cys (NM_001365517.2); c.6985C>T, p.Arg2329Cys (NM_001365518.2); c.6913C>T, p.Arg2305Cys (NM_001365519.2); c.6910C>T, p.Arg2304Cys (NM_001365520.2); and 8 more; short protein forms R2119C, R2183C, R2208C, R2209C, R2210C, R2214C, R2239C, R2273C.
Identifiers: ClinVar variation 3620643 (VCV003620643.2).

ClinVar aggregate classification (germline): Uncertain significance (1 of 4 stars; one submission).

gnomAD v4.1: 3 of 1,613,092 alleles (0.00019%); highest among the groups gnomAD compares: Non-Finnish European, 0.00025%; no homozygotes.

Submission:

Labcorp Genetics (formerly Invitae), Labcorp
Classification: Uncertain significance. Last evaluated: 2024-11-25. Review status: criteria provided, single submitter. Criteria: Invitae Variant Classification Sherloc (09022015). Collection method: clinical testing. Allele origin: germline.
Comment: This sequence change replaces arginine, which is basic and polar, with cysteine, which is neutral and slightly polar, at codon 2420 of the FN1 protein (p.Arg2420Cys). The frequency data for this variant in the population databases is considered unreliable, as metrics indicate poor data quality at this position in the gnomAD database. This variant has not been reported in the literature in individuals affected with FN1-related conditions. An algorithm developed to predict the effect of missense changes on protein structure and function (PolyPhen-2) suggests that this variant is likely to be disruptive. In summary, the available evidence is currently insufficient to determine the role of this variant in disease. Therefore, it has been classified as a Variant of Uncertain Significance.